The following is an entry in ClinVar:

NM_007294.4(BRCA1):c.5554A>G (p.Thr1852Ala)

Gene: BRCA1 (BRCA1 DNA repair associated; minus strand). Cytogenetic location: 17q21.31.
Variant type: single nucleotide variant.
Coding change: c.5554A>G on transcript NM_007294.4 (MANE Select); coding-DNA position 5554, A replaced by G.
Protein change: p.Thr1852Ala; replaces threonine 1852 with alanine.
Molecular consequence: missense variant. On other transcripts: 3 prime UTR variant (1), non-coding transcript variant (1).
Genome position (GRCh38, 1-based): chr17:43,045,716, T>C on the plus strand (A>G on the coding strand, the complement: BRCA1 is on the minus strand). VCF-style: chr17-43045716-T-C. GRCh37 (hg19) VCF-style: chr17-41197733-T-C.
Other names: c.5221A>G, p.Thr1741Ala (NM_001407946.1, NM_001407947.1, NM_001407948.1 and 1 more transcripts); c.5218A>G, p.Thr1740Ala (NM_001407950.1, NM_001407951.1, NM_001407952.1 and 3 more transcripts); c.5215A>G, p.Thr1739Ala (NM_001407956.1, NM_001407957.1, NM_001407958.1); c.5173A>G, p.Thr1725Ala (NM_001407959.1); c.5170A>G, p.Thr1724Ala (NM_001407960.1, NM_001407962.1); c.5167A>G, p.Thr1723Ala (NM_001407963.1); c.5092A>G, p.Thr1698Ala (NM_001407964.1); c.5047A>G, p.Thr1683Ala (NM_001407965.1); and 74 more; short protein forms T1852A, T1805A, T1873A, T748A, T1698A, T1723A, T1762A, T1810A.
Identifiers: ClinVar variation 441287 (VCV000441287.11), dbSNP rs1555574370, ClinGen allele CA10590212.

ClinVar aggregate classification (germline): Uncertain significance. Review status: criteria provided, multiple submitters, no conflicts (2 of 4 stars). 4 submissions from 4 submitters: Uncertain significance (4). Last evaluated 2025-06-15.

Conditions:
Hereditary breast ovarian cancer syndrome. Also called: Hereditary breast and ovarian cancer syndrome (HBOC); BRCA1- and BRCA2-Associated Hereditary Breast and Ovarian Cancer; Hereditary breast and/or ovarian cancer syndrome; Hereditary breast and ovarian cancer syndrome; Hereditary breast and ovarian cancer; Breast and ovarian cancer. Identifiers: Orphanet 145, MedGen C0677776, MeSH D061325, MONDO:0003582. Disease mechanism: loss of function.
Hereditary cancer-predisposing syndrome. Also called: Neoplastic Syndromes, Hereditary; Hereditary neoplastic syndrome; Tumor predisposition; Hereditary Cancer Syndrome. Identifiers: Orphanet 140162, MedGen C0027672, MeSH D009386, MONDO:0015356.
Breast-ovarian cancer, familial, susceptibility to, 1 (BROVCA1). Also called: BRCA1 Hereditary Breast and Ovarian Cancer; OVARIAN CANCER, SUSCEPTIBILITY TO. Identifiers: Orphanet 145, MedGen C2676676, MONDO:0011450, OMIM 604370. Disease mechanism: loss of function.

Allele frequency attached by ClinVar (database versions not stated): gnomAD exomes below 0.00001.
gnomAD v4.1: 1 of 1,613,900 alleles (0.000062%); highest among the groups gnomAD compares: Non-Finnish European, 0.000085%; no homozygotes.

Submissions (5):

Labcorp Genetics (formerly Invitae), Labcorp
Classification: Uncertain significance for Hereditary breast ovarian cancer syndrome. Last evaluated: 2025-06-15. Review status: criteria provided, single submitter. Criteria: Invitae Variant Classification Sherloc (09022015). Collection method: clinical testing. Allele origin: germline.
Comment: This sequence change replaces threonine, which is neutral and polar, with alanine, which is neutral and non-polar, at codon 1852 of the BRCA1 protein (p.Thr1852Ala). This variant is not present in population databases (gnomAD no frequency). This variant has not been reported in the literature in individuals affected with BRCA1-related conditions. ClinVar contains an entry for this variant (Variation ID: 441287). Invitae Evidence Modeling incorporating data from in vitro experimental studies (PMID: 30209399) indicates that this missense variant is not expected to disrupt BRCA1 function with a negative predictive value of 95%. In summary, the available evidence is currently insufficient to determine the role of this variant in disease. Therefore, it has been classified as a Variant of Uncertain Significance.

Color Diagnostics, LLC DBA Color Health
Classification: Uncertain significance for Hereditary cancer-predisposing syndrome. Last evaluated: 2025-02-18. Review status: criteria provided, single submitter. Criteria: ACMG Guidelines, 2015. Collection method: clinical testing. Allele origin: germline.
Comment: This missense variant replaces threonine with alanine at codon 1852 of the BRCA1 protein. Computational prediction suggests that this variant may not impact protein structure and function. A functional study has shown that this variant does not impact BRCA1 function in a haploid cell proliferation assay (PMID: 30209399). To our knowledge, this variant has not been reported in individuals affected with BRCA1-related disorders in the literature. This variant has not been identified in the general population by the Genome Aggregation Database (gnomAD). The available evidence is insufficient to determine the role of this variant in disease conclusively. Therefore, this variant is classified as a Variant of Uncertain Significance.

Ambry Genetics
Classification: Uncertain significance for Hereditary cancer-predisposing syndrome. Last evaluated: 2023-12-21. Review status: criteria provided, single submitter. Criteria: Ambry Variant Classification Scheme 2023. Collection method: clinical testing. Allele origin: germline.
Comment: The p.T1852A variant (also known as c.5554A>G), located in coding exon 22 of the BRCA1 gene, results from an A to G substitution at nucleotide position 5554. The threonine at codon 1852 is replaced by alanine, an amino acid with similar properties. This variant was not reported in population based cohorts in the following databases: Database of Single Nucleotide Polymorphisms (dbSNP), NHLBI Exome Sequencing Project (ESP), and 1000 Genomes Project. In the ESP, this variant was not observed in 6503 samples (13006 alleles) with coverage at this position. To date, this alteration has been detected with an allele frequency of approximately 0.0003% (greater than 300000 alleles tested) in our clinical cohort. This amino acid position is not well conserved in available vertebrate species. In addition, the in silico prediction for this alteration is inconclusive. Since supporting evidence is limited at this time, the clinical significance of this alteration remains unclear.

All of Us Research Program, National Institutes of Health
Classification: Uncertain significance for Breast-ovarian cancer, familial, susceptibility to, 1. Last evaluated: 2023-10-23. Review status: criteria provided, single submitter. Criteria: ACMG Guidelines, 2015. Collection method: clinical testing. Allele origin: germline. Inheritance: Autosomal dominant inheritance. Observed: 1 variant allele, 1 heterozygote.
Comment: This missense variant replaces threonine with alanine at codon 1852 of the BRCA1 protein. Computational prediction suggests that this variant may not impact protein structure and function (internally defined REVEL score threshold <= 0.5, PMID: 27666373). A functional study has shown that this variant does not impact BRCA1 function in a haploid cell proliferation assay (PMID: 30209399). To our knowledge, this variant has not been reported in individuals affected with BRCA1-related disorders in the literature. This variant has not been identified in the general population by the Genome Aggregation Database (gnomAD). The available evidence is insufficient to determine the role of this variant in disease conclusively. Therefore, this variant is classified as a Variant of Uncertain Significance.

This study involves interpretation of variants in research participants for the purpose of population health screening. Participant phenotype was not available at the time of variant classification. Additional details can be found in publication PMID: 35346344, PMCID: PMC8962531

Brotman Baty Institute, University of Washington
No classification provided (evidence only). Condition: Breast-ovarian cancer, familial 1. Review status: no classification provided. Collection method: in vitro. Allele origin: not applicable. Functional consequence: functionally_normal. Not counted in ClinVar's aggregate classification.
ClinVar note: "not provided" was previously submitted as the classification for the variant. However, the classification appeared to be based only on an observation of functional data so it was converted to no classification on 2025-07-30.

Literature cited by the submitters: PubMed 30209399 (cited by 3 submitters).